The following is an entry in ClinVar:

NM_007294.4(BRCA1):c.5386T>C (p.Ser1796Pro)

Gene: BRCA1 (BRCA1 DNA repair associated; minus strand). Cytogenetic location: 17q21.31.
Variant type: single nucleotide variant.
Coding change: c.5386T>C on transcript NM_007294.4 (MANE Select); coding-DNA position 5386, T replaced by C.
Protein change: p.Ser1796Pro; replaces serine 1796 with proline.
Molecular consequence: missense variant. On other transcripts: non-coding transcript variant (1), intron variant (1).
Genome position (GRCh38, 1-based): chr17:43,049,141, A>G on the plus strand (T>C on the coding strand, the complement: BRCA1 is on the minus strand). VCF-style: chr17-43049141-A-G. GRCh37 (hg19) VCF-style: chr17-41201158-A-G.
Other names: c.5002T>C, p.Ser1668Pro (NM_001407960.1, NM_001407962.1); c.4999T>C, p.Ser1667Pro (NM_001407963.1); c.2077T>C, p.Ser693Pro (NM_001407974.1, NM_001407975.1, NM_001407976.1 and 3 more transcripts); c.2074T>C, p.Ser692Pro (NM_001407979.1, NM_001407980.1, NM_001407981.1 and 11 more transcripts); c.2071T>C, p.Ser691Pro (NM_001408397.1, NM_001408398.1, NM_001408399.1 and 7 more transcripts); c.2068T>C, p.Ser690Pro (NM_001408406.1, NM_001408407.1, NM_001408408.1); c.1960T>C, p.Ser654Pro (NM_001408418.1, NM_001408419.1, NM_001408420.1); c.1957T>C, p.Ser653Pro (NM_001408421.1, NM_001408422.1, NM_001408423.1 and 1 more transcripts); and 73 more; short protein forms S1817P, S692P, S1796P, S1749P, S1627P, S1642P, S1667P, S1669P.
Identifiers: ClinVar variation 868406 (VCV000868406.11), dbSNP rs2051078701, ClinGen allele CA10590702.

ClinVar aggregate classification (germline): Conflicting classifications of pathogenicity. Review status: criteria provided, conflicting classifications (1 of 4 stars). 3 submissions from 3 submitters: Uncertain significance (2); Likely benign (1). Last evaluated 2024-02-05.

Conditions:
Hereditary breast ovarian cancer syndrome. Also called: Hereditary breast and ovarian cancer; Hereditary breast and ovarian cancer syndrome (HBOC); Breast and ovarian cancer; Hereditary breast and/or ovarian cancer syndrome; BRCA1- and BRCA2-Associated Hereditary Breast and Ovarian Cancer; Hereditary breast and ovarian cancer syndrome. Identifiers: Orphanet 145, MedGen C0677776, MeSH D061325, MONDO:0003582. Disease mechanism: loss of function.
Hereditary cancer-predisposing syndrome. Also called: Neoplastic Syndromes, Hereditary; Tumor predisposition; Hereditary Cancer Syndrome; Hereditary neoplastic syndrome. Identifiers: Orphanet 140162, MedGen C0027672, MeSH D009386, MONDO:0015356.
Breast-ovarian cancer, familial, susceptibility to, 1 (BROVCA1). Also called: BRCA1 Hereditary Breast and Ovarian Cancer; OVARIAN CANCER, SUSCEPTIBILITY TO. Identifiers: Orphanet 145, MedGen C2676676, MONDO:0011450, OMIM 604370. Disease mechanism: loss of function.

Submissions (4):

Labcorp Genetics (formerly Invitae), Labcorp
Classification: Uncertain significance for Hereditary breast ovarian cancer syndrome. Last evaluated: 2024-02-05. Review status: criteria provided, single submitter. Criteria: Invitae Variant Classification Sherloc (09022015). Collection method: clinical testing. Allele origin: germline.
Comment: This sequence change replaces serine, which is neutral and polar, with proline, which is neutral and non-polar, at codon 1796 of the BRCA1 protein (p.Ser1796Pro). This variant is not present in population databases (gnomAD no frequency). This variant has not been reported in the literature in individuals affected with BRCA1-related conditions. ClinVar contains an entry for this variant (Variation ID: 868406). Advanced modeling performed at Invitae incorporating data from internal and/or published experimental studies (PMID: 30209399) indicates that this missense variant is not expected to disrupt BRCA1 function with a negative predictive value of 95%. In summary, the available evidence is currently insufficient to determine the role of this variant in disease. Therefore, it has been classified as a Variant of Uncertain Significance.

All of Us Research Program, National Institutes of Health
Classification: Uncertain significance for Breast-ovarian cancer, familial, susceptibility to, 1. Last evaluated: 2023-08-15. Review status: criteria provided, single submitter. Criteria: ACMG Guidelines, 2015. Collection method: clinical testing. Allele origin: germline. Inheritance: Autosomal dominant inheritance. Observed: 1 variant allele, 1 heterozygote.
Comment: This missense variant replaces serine with proline at codon 1796 of the BRCA1 protein. Computational prediction is inconclusive regarding the impact of this variant on protein structure and function (internally defined REVEL score threshold 0.5 < inconclusive < 0.7, PMID: 27666373). This variant has been reported to be functional in a haploid cell proliferation assay (PMID: 30209399). To our knowledge, this variant has not been reported in individuals affected with BRCA1-related disorders in the literature. This variant has not been identified in the general population by the Genome Aggregation Database (gnomAD). The available evidence is insufficient to determine the role of this variant in disease conclusively. Therefore, this variant is classified as a Variant of Uncertain Significance.

This study involves interpretation of variants in research participants for the purpose of population health screening. Participant phenotype was not available at the time of variant classification. Additional details can be found in publication PMID: 35346344, PMCID: PMC8962531

Ambry Genetics
Classification: Likely benign for Hereditary cancer-predisposing syndrome. Last evaluated: 2022-09-02. Review status: criteria provided, single submitter. Criteria: Ambry Variant Classification Scheme 2023. Collection method: clinical testing. Allele origin: germline.

Brotman Baty Institute, University of Washington
No classification provided (evidence only). Condition: Breast-ovarian cancer, familial 1. Review status: no classification provided. Collection method: in vitro. Allele origin: not applicable. Functional consequence: functionally_normal. Not counted in ClinVar's aggregate classification.
ClinVar note: "not provided" was previously submitted as the classification for the variant. However, the classification appeared to be based only on an observation of functional data so it was converted to no classification on 2025-07-30.

Literature cited by the submitters: PubMed 30209399 (cited by 3 submitters).